The following is an entry in ClinVar:

NM_006767.4(LZTR1):c.2282_2285dup (p.Asn763fs)

Gene: LZTR1 (leucine zipper like post translational regulator 1; plus strand). Cytogenetic location: 22q11.21.
Variant type: Duplication.
Coding change: c.2282_2285dup on transcript NM_006767.4 (MANE Select); coding-DNA positions 2282 to 2285, 4 bases duplicated (AGCA; older notation c.2282_2285dupAGCA).
Protein change: p.Asn763fs; shifts the reading frame from asparagine 763.
Molecular consequence: frameshift variant.
Genome position (GRCh38, 1-based): chr22:20,996,758-20,996,761, AGCA duplicated; duplicating any 4 consecutive bases within chr22:20,996,755-20,996,761 gives the same sequence; the c. name uses the placement nearest the transcript's 3' end. VCF-style (leftmost placement, unchanged base first): chr22-20996754-T-TGCAA. GRCh37 (hg19) VCF-style: chr22-21351043-T-TGCAA.
Other names: short protein forms N763fs.
Identifiers: ClinVar variation 2084779 (VCV002084779.4), dbSNP rs2518625748, ClinGen allele CA2580099307.
Genomic context (GRCh38, chr22:20,996,754, plus strand): 5'-AGCTACTTGTTTGCGGCCCCCTACTACTACGGCTTCTACAACAACCGGCTGCAGGCGTAC[T>TGCAA]GCAAGCAGAACCTGGAGATGAACGTGACGGTGCAGAACGTGCTGCAGGTAGCCCCCCAGC-3'

ClinVar aggregate classification (germline): Pathogenic (1 of 4 stars; one submission).

Submission:

Labcorp Genetics (formerly Invitae), Labcorp
Classification: Pathogenic. Last evaluated: 2022-11-14. Review status: criteria provided, single submitter. Criteria: Invitae Variant Classification Sherloc (09022015). Collection method: clinical testing. Allele origin: germline.
Comment: This sequence change creates a premature translational stop signal (p.Asn763Alafs*20) in the LZTR1 gene. It is expected to result in an absent or disrupted protein product. Loss-of-function variants in LZTR1 are known to be pathogenic (PMID: 24362817, 25335493, 25480913, 25795793, 29469822, 30368668, 30442762, 30442766, 30481304, 30859559). This variant is not present in population databases (gnomAD no frequency). This variant has not been reported in the literature in individuals affected with LZTR1-related conditions. For these reasons, this variant has been classified as Pathogenic.

Literature cited by the submitters: PubMed 24362817; PubMed 25335493; PubMed 25480913; PubMed 25795793; PubMed 29469822; PubMed 30368668; PubMed 30442762; PubMed 30442766; PubMed 30481304; PubMed 30859559.